The following is an entry in ClinVar:

ClinVar aggregate classification (germline): Conflicting classifications of pathogenicity. Review status: criteria provided, conflicting classifications (1 of 4 stars). 5 submissions from 5 submitters: Uncertain significance (1); Likely benign (4). Last evaluated 2026-01-09.

Conditions:
Wilson disease (WND). Also called: Wilson's disease. Identifiers: Orphanet 905, MedGen C0019202, MONDO:0010200, OMIM 277900. Disease mechanism: loss of function.

Allele frequency attached by ClinVar (database versions not stated): ExAC 0.00002; gnomAD exomes 0.00002; TOPMed 0.00004.
gnomAD v4.1: 34 of 1,613,738 alleles (0.0021%); highest among the groups gnomAD compares: African/African-American, 0.004%; no homozygotes.

Submissions (5):

Labcorp Genetics (formerly Invitae), Labcorp
Classification: Likely benign for Wilson disease. Last evaluated: 2026-01-09. Review status: criteria provided, single submitter. Criteria: Invitae Variant Classification Sherloc (09022015). Collection method: clinical testing. Allele origin: germline.

All of Us Research Program, National Institutes of Health
Classification: Likely benign for Wilson disease. Last evaluated: 2023-10-27. Review status: criteria provided, single submitter. Criteria: ACMG Guidelines, 2015. Collection method: clinical testing. Allele origin: germline. Inheritance: Autosomal recessive inheritance. Observed: 6 variant alleles, 6 heterozygotes.
Comment: This study involves interpretation of variants in research participants for the purpose of population health screening. Participant phenotype was not available at the time of variant classification. Additional details can be found in publication PMID: 35346344, PMCID: PMC8962531

Color Diagnostics, LLC DBA Color Health
Classification: Likely benign for Wilson disease. Last evaluated: 2022-08-05. Review status: criteria provided, single submitter. Criteria: ACMG Guidelines, 2015. Collection method: clinical testing. Allele origin: germline.

Genome-Nilou Lab
Classification: Likely benign for Wilson disease. Last evaluated: 2021-08-10. Review status: criteria provided, single submitter. Criteria: ACMG Guidelines, 2015. Collection method: clinical testing. Allele origin: germline. Affected: no.

Illumina Laboratory Services, Illumina
Classification: Uncertain significance for Wilson disease. Last evaluated: 2017-04-28. Review status: criteria provided, single submitter. Criteria: ICSL Variant Classification Criteria 13 December 2019. Collection method: clinical testing. Allele origin: germline.

NM_000053.4(ATP7B):c.3582C>T (p.Ile1194=)

Gene: ATP7B (ATPase copper transporting beta; minus strand). Cytogenetic location: 13q14.3.
Variant type: single nucleotide variant.
Coding change: c.3582C>T on transcript NM_000053.4 (MANE Select); coding-DNA position 3582, C replaced by T.
Protein change: p.Ile1194=; no amino-acid change (isoleucine 1194 retained).
Molecular consequence: synonymous variant.
Genome position (GRCh38, 1-based): chr13:51,939,168, G>A on the plus strand (C>T on the coding strand, the complement: ATP7B is on the minus strand). VCF-style: chr13-51939168-G-A. GRCh37 (hg19) VCF-style: chr13-52513304-G-A.
Other names: c.3330C>T, p.Ile1110= (NM_001330579.2); c.2961C>T, p.Ile987= (NM_001005918.3); c.3249C>T, p.Ile1083= (NM_001243182.2); c.3348C>T, p.Ile1116= (NM_001330578.2).
Identifiers: ClinVar variation 743704 (VCV000743704.18), dbSNP rs761183334, ClinGen allele CA6988630.